The following is an entry in ClinVar:

NM_198253.3(TERT):c.444G>T (p.Val148=)

Gene: TERT (telomerase reverse transcriptase; minus strand). Cytogenetic location: 5p15.33.
Variant type: single nucleotide variant.
Coding change: c.444G>T on transcript NM_198253.3 (MANE Select); coding-DNA position 444, G replaced by T.
Protein change: p.Val148=; no amino-acid change (valine 148 retained).
Molecular consequence: synonymous variant. On other transcripts: non-coding transcript variant (2).
Genome position (GRCh38, 1-based): chr5:1,294,442, C>A on the plus strand (G>T on the coding strand, the complement: TERT is on the minus strand). VCF-style: chr5-1294442-C-A. GRCh37 (hg19) VCF-style: chr5-1294557-C-A.
Other names: c.444G>T, p.Val148= (NM_001193376.3, NM_003219.1).
Identifiers: ClinVar variation 2505664 (VCV002505664.2), dbSNP rs1314321999, ClinGen allele CA443240364.

ClinVar aggregate classification (germline): Conflicting classifications of pathogenicity. Review status: criteria provided, conflicting classifications (1 of 4 stars). 2 submissions from 2 submitters: Uncertain significance (1); Likely benign (1). Last evaluated 2024-07-13.

Conditions:
Dyskeratosis congenita. Identifiers: Orphanet 1775, MedGen C0265965, MONDO:0015780.

Submissions (2):

Ambry Genetics
Classification: Likely benign for Dyskeratosis congenita. Last evaluated: 2024-07-13. Review status: criteria provided, single submitter. Criteria: Ambry Variant Classification Scheme 2023. Collection method: clinical testing. Allele origin: germline.

GeneDx
Classification: Uncertain significance. Last evaluated: 2022-12-19. Review status: criteria provided, single submitter. Criteria: GeneDx Variant Classification Process June 2021. Collection method: clinical testing. Allele origin: germline. Affected: yes.
Comment: Not observed at significant frequency in large population cohorts (gnomAD); In silico analysis supports that this variant does not alter splicing; Has not been previously published as pathogenic or benign to our knowledge